The following is an entry in ClinVar:

NM_013275.6(ANKRD11):c.2014A>G (p.Ile672Val)

Gene: ANKRD11 (ankyrin repeat domain 11; minus strand). Cytogenetic location: 16q24.3.
Variant type: single nucleotide variant.
Coding change: c.2014A>G on transcript NM_013275.6 (MANE Select); coding-DNA position 2014, A replaced by G.
Protein change: p.Ile672Val; replaces isoleucine 672 with valine.
Molecular consequence: missense variant.
Genome position (GRCh38, 1-based): chr16:89,284,528, T>C on the plus strand (A>G on the coding strand, the complement: ANKRD11 is on the minus strand). VCF-style: chr16-89284528-T-C. GRCh37 (hg19) VCF-style: chr16-89350936-T-C.
Other names: c.2014A>G, p.Ile672Val (NM_001256182.2, NM_001256183.2); short protein forms I672V.
Identifiers: ClinVar variation 3025691 (VCV003025691.22), dbSNP rs2544242819, ClinGen allele CA397163396.

ClinVar aggregate classification (germline): Uncertain significance (1 of 4 stars; one submission).

gnomAD v4.1: 3 of 1,614,180 alleles (0.00019%); highest among the groups gnomAD compares: Non-Finnish European, 0.00025%; no homozygotes.

Submission:

CeGaT Center for Human Genetics Tuebingen
Classification: Uncertain significance. Last evaluated: 2024-02-01. Review status: criteria provided, single submitter. Criteria: CeGaT Center For Human Genetics Tuebingen Variant Classification Criteria Version 2. Collection method: clinical testing. Allele origin: germline. Affected: yes. Observed: 1 variant allele.
Comment: ANKRD11: PM2, BP4